The following is an entry in ClinVar:

NM_182972.3(IRF2BP2):c.532C>T (p.Pro178Ser)

Gene: IRF2BP2 (interferon regulatory factor 2 binding protein 2; minus strand). Cytogenetic location: 1q42.3.
Variant type: single nucleotide variant.
Coding change: c.532C>T on transcript NM_182972.3 (MANE Select); coding-DNA position 532, C replaced by T.
Protein change: p.Pro178Ser; replaces proline 178 with serine.
Molecular consequence: missense variant.
Genome position (GRCh38, 1-based): chr1:234,608,963, G>A on the plus strand (C>T on the coding strand, the complement: IRF2BP2 is on the minus strand). VCF-style: chr1-234608963-G-A. GRCh37 (hg19) VCF-style: chr1-234744709-G-A.
Other names: c.532C>T, p.Pro178Ser (NM_001077397.1); c.532C>T (NM_182972.2); short protein forms P178S.
Identifiers: ClinVar variation 1524753 (VCV001524753.10), dbSNP rs760536031, ClinGen allele CA1461825.
Genomic context (GRCh38, chr1:234,608,963, plus strand): 5'-GCGTGGCCGAGCCGTTCATGAGCGGCACCAGGGTGGGCGGCACCGCGTGGCCGCGCCGCG[G>A]GTTCGGGCTCTGGCGATTCAGCTCGGGCGGCTCCTCTAGCTTGGAGAAGCCGTTGGGCAC-3'
Protein context (NP_892017.2, residues 168-188): PPELNRQSPN[Pro178Ser]RRGHAVPPTL

ClinVar aggregate classification (germline): Uncertain significance. Review status: criteria provided, multiple submitters, no conflicts (2 of 4 stars). 2 submissions from 2 submitters: Uncertain significance (2). Last evaluated 2025-11-19.

Allele frequency attached by ClinVar (database versions not stated): ExAC 0.00003; gnomAD 0.00005 and 0.00006; TOPMed 0.00008.
gnomAD v4.1: 40 of 1,361,848 alleles (0.0029%); highest among the groups gnomAD compares: African/African-American, 0.009%; no homozygotes.

Submissions (2):

Labcorp Genetics (formerly Invitae), Labcorp
Classification: Uncertain significance. Last evaluated: 2025-11-19. Review status: criteria provided, single submitter. Criteria: Invitae Variant Classification Sherloc (09022015). Collection method: clinical testing. Allele origin: germline.
Comment: This sequence change replaces proline, which is neutral and non-polar, with serine, which is neutral and polar, at codon 178 of the IRF2BP2 protein (p.Pro178Ser). The frequency data for this variant in the population databases is considered unreliable, as metrics indicate poor data quality at this position in the gnomAD database. This variant has not been reported in the literature in individuals affected with IRF2BP2-related conditions. ClinVar contains an entry for this variant (Variation ID: 1524753). An algorithm developed to predict the effect of missense changes on protein structure and function (PolyPhen-2) suggests that this variant is likely to be tolerated. In summary, the available evidence is currently insufficient to determine the role of this variant in disease. Therefore, it has been classified as a Variant of Uncertain Significance.

Ambry Genetics
Classification: Uncertain significance. Last evaluated: 2024-07-09. Review status: criteria provided, single submitter. Criteria: Ambry Variant Classification Scheme 2023. Collection method: clinical testing. Allele origin: germline.